The following is an entry in ClinVar:

NM_058179.4(PSAT1):c.1059C>T (p.Asp353=)

Gene: PSAT1 (phosphoserine aminotransferase 1; plus strand). Cytogenetic location: 9q21.2.
Variant type: single nucleotide variant.
Coding change: c.1059C>T on transcript NM_058179.4 (MANE Select); coding-DNA position 1059, C replaced by T.
Protein change: p.Asp353=; no amino-acid change (aspartic acid 353 retained).
Molecular consequence: synonymous variant.
Genome position (GRCh38, 1-based): chr9:78,329,032, C>T. VCF-style: chr9-78329032-C-T. GRCh37 (hg19) VCF-style: chr9-80943948-C-T.
Other names: c.921C>T, p.Asp307= (NM_021154.5).
Identifiers: ClinVar variation 367461 (VCV000367461.16), dbSNP rs115639310, ClinGen allele CA5095805.

ClinVar aggregate classification (germline): Benign/Likely benign. Review status: criteria provided, multiple submitters, no conflicts (2 of 4 stars). 3 submissions from 3 submitters: Benign (2); Likely benign (1). Last evaluated 2026-02-02.

Conditions:
Neu-Laxova syndrome 2. Identifiers: Orphanet 2671, Orphanet 583602, MedGen C4015019, MONDO:0014466, OMIM 616038.
PSAT deficiency. Identifiers: Orphanet 284417, MedGen C1970253, MONDO:0012596, OMIM 610992.

Allele frequency attached by ClinVar (database versions not stated): gnomAD 0.00047 and 0.00064; gnomAD exomes 0.00048 and 0.00127; TOPMed 0.00106; ExAC 0.00133; 1000 Genomes Project 0.00160; 1000 Genomes Project 30x 0.00187.
gnomAD v4.1: 824 of 1,613,348 alleles (0.051%); highest among the groups gnomAD compares: East Asian, 1.5%; 12 homozygotes.

Submissions (3):

Labcorp Genetics (formerly Invitae), Labcorp
Classification: Benign for Neu-Laxova syndrome 2. Last evaluated: 2026-02-02. Review status: criteria provided, single submitter. Criteria: Invitae Variant Classification Sherloc (09022015). Collection method: clinical testing. Allele origin: germline.

Blueprint Genetics
Classification: Likely benign. Last evaluated: 2024-11-18. Review status: criteria provided, single submitter. Criteria: ACMG Guidelines, 2015. Collection method: clinical testing. Allele origin: germline.

Illumina Laboratory Services, Illumina
Classification: Benign for PSAT deficiency. Last evaluated: 2018-01-13. Review status: criteria provided, single submitter. Criteria: ICSL Variant Classification Criteria 13 December 2019. Collection method: clinical testing. Allele origin: germline.
Comment: This variant was observed in the ICSL laboratory as part of a predisposition screen in an ostensibly healthy population. It had not been previously curated by ICSL or reported in the Human Gene Mutation Database (HGMD: prior to June 1st, 2018), and was therefore a candidate for classification through an automated scoring system. Utilizing variant allele frequency, disease prevalence and penetrance estimates, and inheritance mode, an automated score was calculated to assess if this variant is too frequent to cause the disease. Based on the score and internal cut-off values, a variant classified as benign is not then subjected to further curation. The score for this variant resulted in a classification of benign for this disease.